The following is an entry in ClinVar:

ClinVar aggregate classification (germline): Uncertain significance. Review status: criteria provided, multiple submitters, no conflicts (2 of 4 stars). 2 submissions from 2 submitters: Uncertain significance (2). Last evaluated 2024-11-06.

Submissions (2):

Blueprint Genetics
Classification: Uncertain significance. Last evaluated: 2024-11-06. Review status: criteria provided, single submitter. Criteria: ACMG Guidelines, 2015. Collection method: clinical testing. Allele origin: germline.

Labcorp Genetics (formerly Invitae), Labcorp
Classification: Uncertain significance. Last evaluated: 2023-07-10. Review status: criteria provided, single submitter. Criteria: Invitae Variant Classification Sherloc (09022015). Collection method: clinical testing. Allele origin: germline.
Comment: ClinVar contains an entry for this variant (Variation ID: 1018585). Advanced modeling of protein sequence and biophysical properties (such as structural, functional, and spatial information, amino acid conservation, physicochemical variation, residue mobility, and thermodynamic stability) performed at Invitae indicates that this missense variant is expected to disrupt ABCA4 protein function. In summary, the available evidence is currently insufficient to determine the role of this variant in disease. Therefore, it has been classified as a Variant of Uncertain Significance. This missense change has been observed in individual(s) with clinical features of ABCA4-related conditions (Invitae). This sequence change replaces tyrosine, which is neutral and polar, with cysteine, which is neutral and slightly polar, at codon 639 of the ABCA4 protein (p.Tyr639Cys). This variant is not present in population databases (gnomAD no frequency).

NM_000350.3(ABCA4):c.1916A>G (p.Tyr639Cys)

Gene: ABCA4 (ATP binding cassette subfamily A member 4; minus strand). Cytogenetic location: 1p22.1.
Variant type: single nucleotide variant.
Coding change: c.1916A>G on transcript NM_000350.3 (MANE Select); coding-DNA position 1916, A replaced by G.
Protein change: p.Tyr639Cys; replaces tyrosine 639 with cysteine.
Molecular consequence: missense variant.
Genome position (GRCh38, 1-based): chr1:94,062,598, T>C on the plus strand (A>G on the coding strand, the complement: ABCA4 is on the minus strand). VCF-style: chr1-94062598-T-C. GRCh37 (hg19) VCF-style: chr1-94528154-T-C.
Other names: c.1916A>G, p.Tyr639Cys (NM_001425324.1); short protein forms Y639C.
Identifiers: ClinVar variation 1018585 (VCV001018585.11), dbSNP rs1570393097, ClinGen allele CA341279257.